The following is an entry in ClinVar:

NM_003072.5(SMARCA4):c.1594-16C>T

Gene: SMARCA4 (SWI/SNF related BAF chromatin remodeling complex subunit ATPase 4; plus strand). Cytogenetic location: 19p13.2.
Variant type: single nucleotide variant.
Coding change: c.1594-16C>T on transcript NM_003072.5 (MANE Select); 16 bases into the intron before coding-DNA position 1594, C replaced by T.
Molecular consequence: intron variant.
Genome position (GRCh38, 1-based): chr19:10,996,197, C>T. VCF-style: chr19-10996197-C-T. GRCh37 (hg19) VCF-style: chr19-11106873-C-T.
Other names: c.1594-16C>T (NM_001128844.3, NM_001128849.3, NM_001128847.4 and 5 more transcripts).
Identifiers: ClinVar variation 1633649 (VCV001633649.9), dbSNP rs375437147, ClinGen allele CA9203844.
Genomic context (GRCh38, chr19:10,996,197, plus strand): 5'-TGGATTGACTGGCCATGGGTGCTCACAGACATGCACATTGTGCCACCACATTGCAGTAAC[C>T]CCCATGCTTTTGTAGGCTGAAGATGAGGAGGGGTACCGCAAGCTCATCGACCAGAAGAAG-3'

ClinVar aggregate classification (germline): Likely benign. Review status: criteria provided, multiple submitters, no conflicts (2 of 4 stars). 2 submissions from 2 submitters: Likely benign (2). Last evaluated 2026-07-06.

Conditions:
Rhabdoid tumor predisposition syndrome 2 (RTPS2). Identifiers: Orphanet 231108, Orphanet 69077, MedGen C2750074, MONDO:0013224, OMIM 613325.

Allele frequency attached by ClinVar (database versions not stated): gnomAD 0.00001; ESP Exome Variant Server 0.00008; gnomAD exomes below 0.00001; ExAC 0.00001; TOPMed 0.00002.

Submissions (2):

Myriad Genetics, Inc.
Classification: Likely benign for Rhabdoid tumor predisposition syndrome 2. Last evaluated: 2026-07-06. Review status: criteria provided, single submitter. Criteria: Myriad Autosomal Dominant, Autosomal Recessive and X-Linked Classification Criteria (2023). Collection method: clinical testing. Allele origin: unknown.
Comment: This variant is considered likely benign. This variant is intronic and is not expected to impact mRNA splicing.

Labcorp Genetics (formerly Invitae), Labcorp
Classification: Likely benign for Rhabdoid tumor predisposition syndrome 2. Last evaluated: 2026-01-25. Review status: criteria provided, single submitter. Criteria: Invitae Variant Classification Sherloc (09022015). Collection method: clinical testing. Allele origin: germline.